The following is an entry in ClinVar:

NM_201525.4(ADGRG1):c.502_505dup (p.Ala169fs)

Gene: ADGRG1 (adhesion G protein-coupled receptor G1; plus strand). Cytogenetic location: 16q21.
Variant type: Duplication.
Coding change: c.502_505dup on transcript NM_201525.4 (MANE Select); coding-DNA positions 502 to 505, 4 bases duplicated (GCCG; older notation c.502_505dupGCCG).
Protein change: p.Ala169fs; shifts the reading frame from alanine 169.
Molecular consequence: frameshift variant. On other transcripts: 5 prime UTR variant (5), intron variant (1).
Genome position (GRCh38, 1-based): chr16:57,653,217-57,653,220, GCCG duplicated; duplicating any 4 consecutive bases within chr16:57,653,215-57,653,220 gives the same sequence; the c. name uses the placement nearest the transcript's 3' end. VCF-style (leftmost placement, unchanged base first): chr16-57653214-A-ACGGC. GRCh37 (hg19) VCF-style: chr16-57687126-A-ACGGC.
Other names: c.-24_-21dup (NM_001290143.2, NM_001290144.2, NM_001370451.1 and 2 more transcripts); c.502_505dup, p.Ala169fs (NM_001370428.1, NM_001370429.1, NM_001370430.1 and 16 more transcripts); c.517_520dup, p.Ala174fs (NM_001370433.1, NM_001145773.3); c.346_349dup, p.Ala117fs (NM_001370442.1); c.111-769_111-766dup (NM_001290142.2); short protein forms A117fs, A169fs, A174fs.
Identifiers: ClinVar variation 4815451 (VCV004815451.1).
Genomic context (GRCh38, chr16:57,653,214, plus strand): 5'-GGGACCTGAATCGGCAGCCTCGGCGGGGGCCTGTCCACCCCTCCCCCAGGTCCTCCCCAC[A>ACGGC]CGGCCGCTCACAATGCCTCGGTGGACATGTGCGAGCTCAAAAGGGACCTCCAGCTGCTCA-3'

ClinVar aggregate classification (germline): Likely pathogenic (1 of 4 stars; one submission).

Conditions:
Bilateral frontoparietal polymicrogyria. Also called: CEREBELLAR ATAXIA WITH NEURONAL MIGRATION DEFECT; CORTICAL DYSPLASIA, COMPLEX, WITH OTHER BRAIN MALFORMATIONS 14A (BILATERAL FRONTOPARIETAL). Identifiers: Orphanet 101070, MedGen C1847352, MONDO:0011738, OMIM 606854.

Submission:

Natera, Inc.
Classification: Likely pathogenic for Bilateral frontoparietal polymicrogyria. Last evaluated: 2024-05-16. Review status: criteria provided, single submitter. Criteria: Natera Variant Classification Schema (03/2026). Collection method: clinical testing. Allele origin: germline.
Comment: The c.502_505dup variant in ADGRG1 is a frameshift variant predicted to shift the reading frame beginning at codon 169 and leads to a stop codon 118 codons downstream. This variant is expected to result in nonsense mediated decay, truncation, or a dysfunctional protein product. This variant is rare in the general population with a frequency below the threshold expected for the associated phenotype(s). Given the available evidence, this variant is classified as Likely Pathogenic.